The following is an entry in ClinVar:

NM_032578.4(MYPN):c.3263G>A (p.Arg1088His)

Gene: MYPN (myopalladin; plus strand). Cytogenetic location: 10q21.3.
Variant type: single nucleotide variant.
Coding change: c.3263G>A on transcript NM_032578.4 (MANE Select); coding-DNA position 3263, G replaced by A.
Protein change: p.Arg1088His; replaces arginine 1088 with histidine.
Molecular consequence: missense variant. On other transcripts: non-coding transcript variant (2).
Genome position (GRCh38, 1-based): chr10:68,197,456, G>A. VCF-style: chr10-68197456-G-A. GRCh37 (hg19) VCF-style: chr10-69957213-G-A.
Other names: c.3263G>A, p.Arg1088His (NM_001256267.2); c.2381G>A, p.Arg794His (NM_001256268.2); short protein forms R1088H, R794H.
Identifiers: ClinVar variation 31790 (VCV000031790.6), dbSNP rs71584501, ClinGen allele CA143760.

ClinVar aggregate classification (germline): Uncertain significance. Review status: criteria provided, single submitter (1 of 4 stars). 3 submissions from 3 submitters: Uncertain significance (1). 2 of the submissions do not count toward it. Last evaluated 2022-05-10.

Conditions:
Dilated cardiomyopathy 1KK (CMD1KK). Identifiers: Orphanet 154, Orphanet 75249, MedGen C3714995, MONDO:0014100, OMIM 615248.

Allele frequency attached by ClinVar (database versions not stated): ExAC 0.00001; gnomAD exomes below 0.00001 and 0.00001; TOPMed 0.00002; gnomAD 0.00001.
gnomAD v4.1: 14 of 1,613,674 alleles (0.00087%); highest among the groups gnomAD compares: Middle Eastern, 0.016%; no homozygotes.

Submissions (3):

GeneDx
Classification: Uncertain significance. Last evaluated: 2022-05-10. Review status: criteria provided, single submitter. Criteria: GeneDx Variant Classification Process June 2021. Collection method: clinical testing. Allele origin: germline. Affected: yes.
Comment: In silico analysis supports that this missense variant has a deleterious effect on protein structure/function; Immunolabelling of heart tissue from the proband with DCM showed decreased localization of MYPN at the Z-band area of left ventricular cardiac myofibrils; however, in vitro studies were unable to replicate this result as the cellular phenotype of R1088H protein was indistinguishable from wild type protein (Duboscq-Bidot et al., 2008); Not observed at significant frequency in large population cohorts (gnomAD); This variant is associated with the following publications: (PMID: 22892539, 33802723, 18006477)

Leiden Muscular Dystrophy (MYPN)
No classification provided. Last evaluated: 2012-04-27. Review status: no classification provided. Collection method: curation. Allele origin: germline. Not counted in ClinVar's aggregate classification.

OMIM
Classification: Pathogenic for CARDIOMYOPATHY, DILATED, 1KK. Last evaluated: 2008-01-01. Review status: no assertion criteria provided. Collection method: literature only. Allele origin: germline. Not counted in ClinVar's aggregate classification.

Literature cited by the submitters: PubMed 18006477 (cited by OMIM).